The following is an entry in ClinVar:

NM_003482.4(KMT2D):c.11475_11478del (p.Gln3826fs)

Gene: KMT2D (lysine methyltransferase 2D; minus strand). Cytogenetic location: 12q13.12.
Variant type: Microsatellite.
Coding change: c.11475_11478del on transcript NM_003482.4 (MANE Select); coding-DNA positions 11475 to 11478, 4 bases deleted (ACAG; older notation c.11475_11478delACAG).
Protein change: p.Gln3826fs; shifts the reading frame from glutamine 3826.
Molecular consequence: frameshift variant.
Genome position (GRCh38, 1-based): chr12:49,033,227-49,033,230, CTGT deleted on the plus strand (ACAG on the coding strand, the reverse complement: KMT2D is on the minus strand); deleting any 4 consecutive bases within chr12:49,033,227-49,033,234 gives the same sequence; the c. name uses the placement nearest the transcript's 3' end. VCF-style (leftmost placement, unchanged base first): chr12-49033226-CCTGT-C. GRCh37 (hg19) VCF-style: chr12-49427009-CCTGT-C.
Other names: c.11475_11478del (NM_003482.3); short protein forms Q3826fs.
Identifiers: ClinVar variation 375267 (VCV000375267.3), dbSNP rs1057519067, ClinGen allele CA16044022.
Genomic context (GRCh38, chr12:49,033,226, plus strand): 5'-GGCCCTGACCCTGCTGTGCCAGCTGGGGGGAACTGAGCACCCGGGACTGGGTCATAAGCA[CCTGT>C]CTGTGAGGGCCCTGGGGGCCCAAAGCTCCAGGGTGCTGCTGCTGCAACACAGCCACCTGG-3'

ClinVar aggregate classification (germline): Pathogenic. Review status: criteria provided, multiple submitters, no conflicts (2 of 4 stars). 2 submissions from 2 submitters: Pathogenic (2). Last evaluated 2023-02-03.

Conditions:
Kabuki syndrome 1 (KABUK1). Also called: KMT2D-Related Kabuki Syndrome. Identifiers: Orphanet 2322, MedGen CN030661, MONDO:0007843, OMIM 147920.

Submissions (2):

GeneDx
Classification: Pathogenic. Last evaluated: 2023-02-03. Review status: criteria provided, single submitter. Criteria: GeneDx Variant Classification Process June 2021. Collection method: clinical testing. Allele origin: germline. Affected: yes.
Comment: Identified in a patient with clinical features of KMT2D-related Kabuki syndrome (Digilio et al., 2017); Frameshift variant predicted to result in protein truncation or nonsense mediated decay in a gene for which loss of function is a known mechanism of disease; Not observed at significant frequency in large population cohorts (gnomAD); This variant is associated with the following publications: (PMID: 34218205, 28884922, 36436503, Kaur2022[CaseReport])

Shenzhen Institute of Pediatrics, Shenzhen Children's Hospital
Classification: Pathogenic for Kabuki syndrome 1. Last evaluated: 2016-12-15. Review status: criteria provided, single submitter. Criteria: ACMG Guidelines, 2015. Collection method: clinical testing. Allele origin: de novo. Inheritance: Autosomal dominant inheritance. Affected: yes. Observed: 1 variant allele, 1 heterozygote.